The following is an entry in ClinVar:

ClinVar aggregate classification (germline): Pathogenic. Review status: criteria provided, multiple submitters, no conflicts (2 of 4 stars). 2 submissions from 2 submitters: Pathogenic (2). Last evaluated 2024-05-14.

Conditions:
Primary ciliary dyskinesia 3. Identifiers: Orphanet 244, MedGen C1837618, MONDO:0012085, OMIM 608644.
Primary ciliary dyskinesia. Also called: Ciliary dyskinesia. Identifiers: Orphanet 244, MedGen C0008780, MONDO:0016575, HP:0012265.

Submissions (2):

Myriad Genetics, Inc.
Classification: Pathogenic for Primary ciliary dyskinesia 3. Last evaluated: 2024-05-14. Review status: criteria provided, single submitter. Criteria: Myriad Autosomal Dominant, Autosomal Recessive and X-Linked Classification Criteria (2023). Collection method: clinical testing. Allele origin: unknown.
Comment: NM_001369.2(DNAH5):c.11857dupA(R3953Kfs*8) is expected to be pathogenic in the context of primary ciliary dyskinesia, DNAH5-related. This variant is predicted to lead to an abnormal or absent protein product due to the creation of a premature termination codon in DNAH5, a gene where loss-of-function variants are known to be pathogenic. Please note: this variant was assessed in the context of healthy population screening.

Labcorp Genetics (formerly Invitae), Labcorp
Classification: Pathogenic for Primary ciliary dyskinesia. Last evaluated: 2022-01-17. Review status: criteria provided, single submitter. Criteria: Invitae Variant Classification Sherloc (09022015). Collection method: clinical testing. Allele origin: germline.
Comment: This variant is not present in population databases (gnomAD no frequency). This sequence change creates a premature translational stop signal (p.Arg3953Lysfs*8) in the DNAH5 gene. It is expected to result in an absent or disrupted protein product. Loss-of-function variants in DNAH5 are known to be pathogenic (PMID: 11788826, 16627867). For these reasons, this variant has been classified as Pathogenic. This variant has not been reported in the literature in individuals affected with DNAH5-related conditions.

Literature cited by the submitters: PubMed 11788826 (cited by Labcorp Genetics (formerly Invitae), Labcorp); PubMed 16627867 (cited by Labcorp Genetics (formerly Invitae), Labcorp).

NM_001369.3(DNAH5):c.11857dup (p.Arg3953fs)

Gene: DNAH5 (dynein axonemal heavy chain 5; minus strand). Cytogenetic location: 5p15.2.
Variant type: Duplication.
Coding change: c.11857dup on transcript NM_001369.3 (MANE Select); coding-DNA position 11857, one base duplicated (A; older notation c.11857dupA).
Protein change: p.Arg3953fs; shifts the reading frame from arginine 3953.
Molecular consequence: frameshift variant.
Genome position (GRCh38, 1-based): chr5:13,729,465, T duplicated on the plus strand (A on the coding strand, the reverse complement: DNAH5 is on the minus strand). VCF-style (leftmost placement, unchanged base first): chr5-13729464-C-CT. GRCh37 (hg19) VCF-style: chr5-13729573-C-CT.
Other names: short protein forms R3953fs.
Identifiers: ClinVar variation 2086822 (VCV002086822.5), dbSNP rs2546546999, ClinGen allele CA2580071981.